The following is an entry in ClinVar:

ClinVar aggregate classification (germline): Uncertain significance (1 of 4 stars; one submission).

Submission:

Labcorp Genetics (formerly Invitae), Labcorp
Classification: Uncertain significance. Last evaluated: 2021-11-15. Review status: criteria provided, single submitter. Criteria: Invitae Variant Classification Sherloc (09022015). Collection method: clinical testing. Allele origin: germline.
Comment: In summary, the available evidence is currently insufficient to determine the role of this variant in disease. Therefore, it has been classified as a Variant of Uncertain Significance. Experimental studies and prediction algorithms are not available or were not evaluated, and the functional significance of this variant is currently unknown. This variant has not been reported in the literature in individuals affected with IFT81-related conditions. This variant is present in population databases (rs765678565, gnomAD 0.003%). This variant, c.1334_1336del, results in the deletion of 1 amino acid(s) of the IFT81 protein (p.Gln445del), but otherwise preserves the integrity of the reading frame.

NM_014055.4(IFT81):c.1328AAC[2] (p.Gln445del)

Gene: IFT81 (intraflagellar transport 81; plus strand). Cytogenetic location: 12q24.11.
Variant type: Microsatellite.
Coding change: c.1328AAC[2] on transcript NM_014055.4 (MANE Select); two copies in a row of the 3-base unit AAC starting at c.1328; the reference has three copies in a row; one copy, 3 bases deleted.
Protein change: p.Gln445del; deletes glutamine 445.
Molecular consequence: inframe deletion. On other transcripts: non-coding transcript variant (4).
Genome position (GRCh38, 1-based): chr12:110,180,567-110,180,569, AAC deleted; deleting any 3 consecutive bases within chr12:110,180,560-110,180,569 gives the same sequence; the position shown is the placement nearest the transcript's 3' end. VCF-style (leftmost placement, unchanged base first): chr12-110180559-TCAA-T. GRCh37 (hg19) VCF-style: chr12-110618364-TCAA-T.
Other names: c.1328AAC[2], p.Gln445del (NM_001143779.2); c.398AAC[2], p.Gln135del (NM_001347947.2, NM_001347948.2); short protein forms Q135del, Q445del.
Identifiers: ClinVar variation 1432533 (VCV001432533.6), dbSNP rs765678565, ClinGen allele CA6783332.